The following is an entry in ClinVar:

NM_003002.4(SDHD):c.346C>T (p.His116Tyr)

Gene: SDHD (succinate dehydrogenase complex subunit D; plus strand). Cytogenetic location: 11q23.1.
Variant type: single nucleotide variant.
Coding change: c.346C>T on transcript NM_003002.4 (MANE Select); coding-DNA position 346, C replaced by T.
Protein change: p.His116Tyr; replaces histidine 116 with tyrosine.
Molecular consequence: missense variant. On other transcripts: synonymous variant (1), 3 prime UTR variant (1), non-coding transcript variant (1).
Genome position (GRCh38, 1-based): chr11:112,094,836, C>T. VCF-style: chr11-112094836-C-T. GRCh37 (hg19) VCF-style: chr11-111965560-C-T.
Other names: c.201C>T, p.Phe67= (NM_001276503.2); c.229C>T, p.His77Tyr (NM_001276504.2); c.*44C>T (NM_001276506.2); short protein forms H116Y, H77Y.
Identifiers: ClinVar variation 1446421 (VCV001446421.8), dbSNP rs2135277443, ClinGen allele CA382618880.

ClinVar aggregate classification (germline): Uncertain significance. Review status: criteria provided, multiple submitters, no conflicts (2 of 4 stars). 2 submissions from 2 submitters: Uncertain significance (2). Last evaluated 2024-12-04.

Conditions:
Hereditary cancer-predisposing syndrome. Also called: Hereditary Cancer Syndrome; Hereditary neoplastic syndrome; Neoplastic Syndromes, Hereditary; Tumor predisposition. Identifiers: Orphanet 140162, MedGen C0027672, MeSH D009386, MONDO:0015356.
Pheochromocytoma. Also called: MAX-Related Hereditary Paraganglioma-Pheochromocytoma Syndrome. Identifiers: Orphanet 29072, MedGen C0031511, MONDO:0008233, OMIM 171300, HP:0002666.
Cowden syndrome 3 (CWS3). Identifiers: Orphanet 201, MedGen CN166604, MONDO:0014045.
Paragangliomas with sensorineural hearing loss. Identifiers: MedGen C1868633.
Carney-Stratakis syndrome. Also called: PARAGANGLIOMA AND GASTROINTESTINAL STROMAL TUMOR. Identifiers: Orphanet 97286, MedGen C1847319, MONDO:0011740, OMIM 606864.

Submissions (2):

Labcorp Genetics (formerly Invitae), Labcorp
Classification: Uncertain significance for Carney-Stratakis syndrome; Paragangliomas with sensorineural hearing loss; Pheochromocytoma; Cowden syndrome 3. Last evaluated: 2024-12-04. Review status: criteria provided, single submitter. Criteria: Invitae Variant Classification Sherloc (09022015). Collection method: clinical testing. Allele origin: germline.
Comment: This sequence change replaces histidine, which is basic and polar, with tyrosine, which is neutral and polar, at codon 116 of the SDHD protein (p.His116Tyr). This variant is not present in population databases (gnomAD no frequency). This variant has not been reported in the literature in individuals affected with SDHD-related conditions. ClinVar contains an entry for this variant (Variation ID: 1446421). Invitae Evidence Modeling of protein sequence and biophysical properties (such as structural, functional, and spatial information, amino acid conservation, physicochemical variation, residue mobility, and thermodynamic stability) indicates that this missense variant is expected to disrupt SDHD protein function with a positive predictive value of 95%. In summary, the available evidence is currently insufficient to determine the role of this variant in disease. Therefore, it has been classified as a Variant of Uncertain Significance.

Ambry Genetics
Classification: Uncertain significance for Hereditary cancer-predisposing syndrome. Last evaluated: 2022-06-23. Review status: criteria provided, single submitter. Criteria: Ambry Variant Classification Scheme 2023. Collection method: clinical testing. Allele origin: germline.
Comment: The p.H116Y variant (also known as c.346C>T), located in coding exon 4 of the SDHD gene, results from a C to T substitution at nucleotide position 346. The histidine at codon 116 is replaced by tyrosine, an amino acid with similar properties. This amino acid position is not well conserved in available vertebrate species. In addition, this alteration is predicted to be deleterious by in silico analysis. Since supporting evidence is limited at this time, the clinical significance of this alteration remains unclear.